The following is an entry in ClinVar:

ClinVar aggregate classification (germline): Uncertain significance (1 of 4 stars; one submission).

Submission:

Labcorp Genetics (formerly Invitae), Labcorp
Classification: Uncertain significance. Last evaluated: 2020-10-31. Review status: criteria provided, single submitter. Criteria: Invitae Variant Classification Sherloc (09022015). Collection method: clinical testing. Allele origin: germline.
Comment: This variant results in a copy number gain of the genomic region encompassing exon(s) 10-31 of the ABCC6 gene. The 5' boundary is likely confined to intron 9. The 3' end of this event is unknown as it extends beyond the assayed region for this gene and therefore may encompass additional genes. As the precise location of this event is unknown, it may be in tandem or it may be located elsewhere in the genome. This variant has not been reported in the literature in individuals with ABCC6-related conditions. Experimental studies and prediction algorithms are not available or were not evaluated, and the functional significance of this variant is currently unknown. In summary, the available evidence is currently insufficient to determine the role of this variant in disease. Therefore, it has been classified as a Variant of Uncertain Significance.

NC_000016.9:g.(?_15758636)_(16292059_?)dup

Genes: CEP20 (centrosomal protein 20; minus strand), ABCC6 (ATP binding cassette subfamily C member 6; minus strand), ABCC1 (ATP binding cassette subfamily C member 1 (ABCC1 blood group); plus strand), MYH11 (myosin heavy chain 11; minus strand), NDE1 (nudE neurodevelopment protein 1; plus strand). Cytogenetic location: 16p13.11.
Variant type: Duplication.
Identifiers: ClinVar variation 1046628 (VCV001046628.1).